The following is an entry in ClinVar:

NM_020806.5(GPHN):c.1172A>G (p.Asp391Gly)

Gene: GPHN (gephyrin; plus strand). Cytogenetic location: 14q23.3.
Variant type: single nucleotide variant.
Coding change: c.1172A>G on transcript NM_020806.5 (MANE Select); coding-DNA position 1172, A replaced by G.
Protein change: p.Asp391Gly; replaces aspartic acid 391 with glycine.
Molecular consequence: missense variant.
Genome position (GRCh38, 1-based): chr14:67,089,010, A>G. VCF-style: chr14-67089010-A-G. GRCh37 (hg19) VCF-style: chr14-67555727-A-G.
Other names: c.1145A>G, p.Asp382Gly (NM_001377517.1); c.1130A>G, p.Asp377Gly (NM_001377518.1); c.1112A>G, p.Asp371Gly (NM_001377519.1); c.1073A>G, p.Asp358Gly (NM_001024218.2); c.1232A>G, p.Asp411Gly (NM_001377514.1); c.1202A>G, p.Asp401Gly (NM_001377515.1); c.1193A>G, p.Asp398Gly (NM_001377516.1); short protein forms D371G, D401G, D358G, D382G, D391G, D398G, D411G, D377G.
Identifiers: ClinVar variation 3682166 (VCV003682166.2).

ClinVar aggregate classification (germline): Uncertain significance (1 of 4 stars; one submission).

Conditions:
Sulfite oxidase deficiency due to molybdenum cofactor deficiency type C. Also called: Molybdenum cofactor deficiency, complementation group C; Molybdenum cofactor deficiency C. Identifiers: Orphanet 308400, Orphanet 833, MedGen C1854990, MONDO:0014212, OMIM 615501.

gnomAD v4.1: 7 of 1,600,224 alleles (0.00044%); highest among the groups gnomAD compares: Non-Finnish European, 0.0006%; no homozygotes.

Submission:

Labcorp Genetics (formerly Invitae), Labcorp
Classification: Uncertain significance for Sulfite oxidase deficiency due to molybdenum cofactor deficiency type C. Last evaluated: 2024-05-05. Review status: criteria provided, single submitter. Criteria: Invitae Variant Classification Sherloc (09022015). Collection method: clinical testing. Allele origin: germline.
Comment: This sequence change replaces aspartic acid, which is acidic and polar, with glycine, which is neutral and non-polar, at codon 391 of the GPHN protein (p.Asp391Gly). This variant is not present in population databases (gnomAD no frequency). This variant has not been reported in the literature in individuals affected with GPHN-related conditions. Advanced modeling of protein sequence and biophysical properties (such as structural, functional, and spatial information, amino acid conservation, physicochemical variation, residue mobility, and thermodynamic stability) performed at Invitae indicates that this missense variant is expected to disrupt GPHN protein function with a positive predictive value of 80%. In summary, the available evidence is currently insufficient to determine the role of this variant in disease. Therefore, it has been classified as a Variant of Uncertain Significance.